The following is an entry in ClinVar:

NM_057175.5(NAA15):c.434del (p.Pro145fs)

Gene: NAA15 (N-alpha-acetyltransferase 15, NatA auxiliary subunit; plus strand). Cytogenetic location: 4q31.1.
Variant type: Deletion.
Coding change: c.434del on transcript NM_057175.5 (MANE Select); coding-DNA position 434, one base deleted (C; older notation c.434delC).
Protein change: p.Pro145fs; shifts the reading frame from proline 145.
Molecular consequence: frameshift variant.
Genome position (GRCh38, 1-based): chr4:139,342,857, C deleted; the last of 2 consecutive C bases (chr4:139,342,856-139,342,857); deleting either gives the same sequence. VCF-style (leftmost placement, unchanged base first): chr4-139342855-AC-A. GRCh37 (hg19) VCF-style: chr4-140264009-AC-A.
Other names: short protein forms P145fs.
Identifiers: ClinVar variation 1074822 (VCV001074822.7), dbSNP rs2110915306, ClinGen allele CA2499217097.

ClinVar aggregate classification (germline): Pathogenic (1 of 4 stars; one submission).

Submission:

Labcorp Genetics (formerly Invitae), Labcorp
Classification: Pathogenic. Last evaluated: 2017-08-02. Review status: criteria provided, single submitter. Criteria: Invitae Variant Classification Sherloc (09022015). Collection method: clinical testing. Allele origin: germline.
Comment: This sequence change creates a premature translational stop signal (p.Pro145Leufs*17) in the NAA15 gene. It is expected to result in an absent or disrupted protein product. For these reasons, this variant has been classified as Pathogenic. Loss-of-function variants in NAA15 are known to be pathogenic (PMID: 28191889). This variant has not been reported in the literature in individuals with NAA15-related disease. This variant is not present in population databases (ExAC no frequency).

Literature cited by the submitters: PubMed 28191889.